The following is an entry in ClinVar:

ClinVar aggregate classification (germline): Uncertain significance (1 of 4 stars; one submission).

Submission:

Labcorp Genetics (formerly Invitae), Labcorp
Classification: Uncertain significance. Last evaluated: 2024-11-19. Review status: criteria provided, single submitter. Criteria: Invitae Variant Classification Sherloc (09022015). Collection method: clinical testing. Allele origin: germline.
Comment: This sequence change replaces threonine, which is neutral and polar, with alanine, which is neutral and non-polar, at codon 703 of the ACAN protein (p.Thr703Ala). This variant is not present in population databases (gnomAD no frequency). This variant has not been reported in the literature in individuals affected with ACAN-related conditions. Invitae Evidence Modeling of protein sequence and biophysical properties (such as structural, functional, and spatial information, amino acid conservation, physicochemical variation, residue mobility, and thermodynamic stability) indicates that this missense variant is not expected to disrupt ACAN protein function with a negative predictive value of 80%. In summary, the available evidence is currently insufficient to determine the role of this variant in disease. Therefore, it has been classified as a Variant of Uncertain Significance.

NM_001369268.1(ACAN):c.2107A>G (p.Thr703Ala)

Gene: ACAN (aggrecan; plus strand). Cytogenetic location: 15q26.1.
Variant type: single nucleotide variant.
Coding change: c.2107A>G on transcript NM_001369268.1 (MANE Select); coding-DNA position 2107, A replaced by G.
Protein change: p.Thr703Ala; replaces threonine 703 with alanine.
Molecular consequence: missense variant.
Genome position (GRCh38, 1-based): chr15:88,851,874, A>G. VCF-style: chr15-88851874-A-G. GRCh37 (hg19) VCF-style: chr15-89395105-A-G.
Other names: c.2107A>G, p.Thr703Ala (NM_001135.4, NM_001411096.1, NM_001411097.1 and 1 more transcripts); short protein forms T703A.
Identifiers: ClinVar variation 3665088 (VCV003665088.2).